The following is an entry in ClinVar:

NM_014727.3(KMT2B):c.147_151dup (p.Gly51fs)

Genes: KMT2B (lysine methyltransferase 2B; plus strand), LOC130064258 (ATAC-STARR-seq lymphoblastoid silent region 10535; plus strand). Cytogenetic location: 19q13.12.
Variant type: Microsatellite.
Coding change: c.147_151dup on transcript NM_014727.3 (MANE Select); coding-DNA positions 147 to 151, 5 bases duplicated (CGGCG; older notation c.147_151dupCGGCG).
Protein change: p.Gly51fs; shifts the reading frame from glycine 51.
Molecular consequence: frameshift variant.
Genome position (GRCh38, 1-based): chr19:35,718,165-35,718,169, CGGCG duplicated; duplicating any 5 consecutive bases within chr19:35,718,159-35,718,169 gives the same sequence; the c. name uses the placement nearest the transcript's 3' end. VCF-style (leftmost placement, unchanged base first): chr19-35718158-T-TGCGGC. GRCh37 (hg19) VCF-style: chr19-36209060-T-TGCGGC.
Other names: short protein forms G51fs.
Identifiers: ClinVar variation 4880765 (VCV004880765.2).

ClinVar aggregate classification (germline): Likely pathogenic (1 of 4 stars; one submission).

Submission:

Dasa
Classification: Likely pathogenic. Last evaluated: 2024-12-11. Review status: criteria provided, single submitter. Criteria: DASA Assertion Criteria. Collection method: clinical testing. Allele origin: germline.
Comment: NM_014727.3(KMT2B):c.147_151dup (p.Gly51Alafs*118) is a frameshift variant in KMT2B predicted to alter the reading frame and introduce a premature termination codon and is predicted to result in an absent or altered protein product. Loss of function is an established disease mechanism for KMT2B (PMID: 33098801; PMID: 33150406; PMID: 36288966). Also, this variant is absent from population databases. Based on the currently available evidence, this variant is classified as likely pathogenic.

Literature cited by the submitters: PubMed 33098801; PubMed 33150406; PubMed 36288966.